The following is an entry in ClinVar:

ClinVar aggregate classification (germline): Uncertain significance. Review status: criteria provided, multiple submitters, no conflicts (2 of 4 stars). 3 submissions from 3 submitters: Uncertain significance (3). Last evaluated 2022-01-10.

Conditions:
Spermatogenic failure 28. Identifiers: MedGen C4748117, MONDO:0054732, OMIM 618086.
Premature ovarian failure 15. Identifiers: MedGen C4748170, MONDO:0054862, OMIM 618096.
Fanconi anemia (FA). Also called: Fanconi's anemia. Identifiers: Orphanet 84, MedGen C0015625, MeSH D005199, MONDO:0019391.

Submissions (3):

Fulgent Genetics
Classification: Uncertain significance for Spermatogenic failure 28; Premature ovarian failure 15. Last evaluated: 2022-01-10. Review status: criteria provided, single submitter. Criteria: ACMG Guidelines, 2015. Collection method: clinical testing. Allele origin: unknown.

Blueprint Genetics
Classification: Uncertain significance. Last evaluated: 2021-11-17. Review status: criteria provided, single submitter. Criteria: ACMG Guidelines, 2015. Collection method: clinical testing. Allele origin: germline.

Labcorp Genetics (formerly Invitae), Labcorp
Classification: Uncertain significance for Fanconi anemia. Last evaluated: 2019-09-06. Review status: criteria provided, single submitter. Criteria: Invitae Variant Classification Sherloc (09022015). Collection method: clinical testing. Allele origin: germline.
Comment: This sequence change replaces lysine with glutamine at codon 580 of the FANCM protein (p.Lys580Gln). The lysine residue is moderately conserved and there is a small physicochemical difference between lysine and glutamine. In summary, the available evidence is currently insufficient to determine the role of this variant in disease. Therefore, it has been classified as a Variant of Uncertain Significance. Algorithms developed to predict the effect of missense changes on protein structure and function (SIFT, PolyPhen-2, Align-GVGD) all suggest that this variant is likely to be tolerated, but these predictions have not been confirmed by published functional studies and their clinical significance is uncertain. This variant has not been reported in the literature in individuals with FANCM-related conditions. This variant is not present in population databases (ExAC no frequency).

NM_020937.4(FANCM):c.1738A>C (p.Lys580Gln)

Gene: FANCM (FA complementation group M; plus strand). Cytogenetic location: 14q21.2.
Variant type: single nucleotide variant.
Coding change: c.1738A>C on transcript NM_020937.4 (MANE Select); coding-DNA position 1738, A replaced by C.
Protein change: p.Lys580Gln; replaces lysine 580 with glutamine.
Molecular consequence: missense variant.
Genome position (GRCh38, 1-based): chr14:45,164,515, A>C. VCF-style: chr14-45164515-A-C. GRCh37 (hg19) VCF-style: chr14-45633718-A-C.
Other names: c.1660A>C, p.Lys554Gln (NM_001308133.2); c.1738A>C, p.Lys580Gln (NM_001308134.2); short protein forms K580Q, K554Q.
Identifiers: ClinVar variation 936204 (VCV000936204.11), dbSNP rs1887827994, ClinGen allele CA389594079.